The following is an entry in ClinVar:

NM_015046.7(SETX):c.3413T>C (p.Ile1138Thr)

Gene: SETX (senataxin; minus strand). Cytogenetic location: 9q34.13.
Variant type: single nucleotide variant.
Coding change: c.3413T>C on transcript NM_015046.7 (MANE Select); coding-DNA position 3413, T replaced by C.
Protein change: p.Ile1138Thr; replaces isoleucine 1138 with threonine.
Molecular consequence: missense variant.
Genome position (GRCh38, 1-based): chr9:132,328,185, A>G on the plus strand (T>C on the coding strand, the complement: SETX is on the minus strand). VCF-style: chr9-132328185-A-G. GRCh37 (hg19) VCF-style: chr9-135203572-A-G.
Other names: c.3413T>C, p.Ile1138Thr (NM_001351527.2, NM_001351528.2); short protein forms I1138T.
Identifiers: ClinVar variation 2494077 (VCV002494077.2), dbSNP rs755966630, ClinGen allele CA5297408.
Genomic context (GRCh38, chr9:132,328,185, plus strand): 5'-TTTACTTCAATTTCACAAAATTCTTCAACAGAAATACTCCGTGGTCTTGTGTGTTCTTCA[A>G]TGCCCTCTGCTCCTTTTTTAACAACTTCAGATACATAATCTGTACAACCCTGACCATTTG-3'
Protein context (NP_055861.3, residues 1128-1148): SEVVKKGAEG[Ile1138Thr]EEHTRPRSIS

ClinVar aggregate classification (germline): Uncertain significance (1 of 4 stars; one submission).

Conditions:
Inborn genetic diseases. Identifiers: MedGen C0950123, MeSH D030342.

Allele frequency attached by ClinVar (database versions not stated): gnomAD exomes 0.00001; TOPMed 0.00001; ExAC 0.00002; gnomAD 0.00002.
gnomAD v4.1: 24 of 1,614,044 alleles (0.0015%); highest among the groups gnomAD compares: South Asian, 0.011%; no homozygotes.

Submission:

Ambry Genetics
Classification: Uncertain significance for Inborn genetic diseases. Last evaluated: 2023-03-06. Review status: criteria provided, single submitter. Criteria: Ambry Variant Classification Scheme 2023. Collection method: clinical testing. Allele origin: germline.
Comment: Unlikely to be causative of SETX-related juvenile amyotrophic lateral sclerosis (AD) Based on insufficient or conflicting evidence, the clinical significance of this alteration remains unclear.